The following is an entry in ClinVar:

NM_001170629.2(CHD8):c.2199_2200del (p.His734fs)

Gene: CHD8 (chromodomain helicase DNA binding protein 8; minus strand). Cytogenetic location: 14q11.2.
Variant type: Microsatellite.
Coding change: c.2199_2200del on transcript NM_001170629.2 (MANE Select); coding-DNA positions 2199 to 2200, 2 bases deleted (TC; older notation c.2199_2200delTC).
Protein change: p.His734fs; shifts the reading frame from histidine 734.
Molecular consequence: frameshift variant.
Genome position (GRCh38, 1-based): chr14:21,412,939-21,412,940, GA deleted on the plus strand (TC on the coding strand, the reverse complement: CHD8 is on the minus strand); deleting any 2 consecutive bases within chr14:21,412,939-21,412,942 gives the same sequence; the c. name uses the placement nearest the transcript's 3' end. VCF-style (leftmost placement, unchanged base first): chr14-21412938-TGA-T. GRCh37 (hg19) VCF-style: chr14-21881097-TGA-T.
Other names: c.1362_1363del, p.His455fs (NM_020920.4); short protein forms H455fs, H734fs.
Identifiers: ClinVar variation 1805207 (VCV001805207.3), dbSNP rs2501941944, ClinGen allele CA2573050769.

ClinVar aggregate classification (germline): Pathogenic (1 of 4 stars; one submission).

Conditions:
Intellectual developmental disorder with autism and macrocephaly. Also called: CHD8-Related Neurodevelopmental Disorder with Overgrowth; Autism, susceptibility to, 18. Identifiers: Orphanet 642675, MedGen C3554373, MONDO:0014017, OMIM 615032.

Submission:

Victorian Clinical Genetics Services, Murdoch Childrens Research Institute
Classification: Pathogenic for Intellectual developmental disorder with autism and macrocephaly. Last evaluated: 2025-08-12. Review status: criteria provided, single submitter. Criteria: ACMG Guidelines, 2015. Collection method: clinical testing. Allele origin: germline.
Comment: This variant is classified as Pathogenic. Evidence in support of pathogenic classification: Variant is predicted to cause nonsense-mediated decay (NMD) and loss of protein (premature termination codon is located at least 54 nucleotides upstream of the final exon-exon junction); Variant is absent from gnomAD (v2, v3 and v4); Other NMD-predicted variants comparable to the one identified in this case have very strong previous evidence for pathogenicity (DECIPHER). Additional information: This gene is associated with autosomal dominant disease; No published segregation evidence has been identified for this variant; No published functional evidence has been identified for this variant; Loss of function is a known mechanism of disease in this gene and is associated with intellectual developmental disorder with autism and macrocephaly (MIM#615032).